The following is an entry in ClinVar:

ClinVar aggregate classification (germline): Uncertain significance (1 of 4 stars; one submission).

Conditions:
Cardiovascular phenotype. Identifiers: MedGen CN230736.

Submission:

Ambry Genetics
Classification: Uncertain significance for Cardiovascular phenotype. Last evaluated: 2025-12-17. Review status: criteria provided, single submitter. Criteria: Ambry Variant Classification Scheme 2023. Collection method: clinical testing. Allele origin: germline.
Comment: The c.3595_3605dup11 variant, located in coding exon 14 of the RBM20 gene, results from a duplication of GAGGAGGGCCT at nucleotide position 3595, causing a translational frameshift with a predicted alternate stop codon (p.K1203Rfs*49). This alteration is expected to result in protein truncation or nonsense-mediated mRNA decay. However, loss of function has not been established as a mechanism of disease. Based on the available evidence, the clinical significance of this alteration remains unclear.

NM_001134363.3(RBM20):c.3595_3605dup (p.Lys1203fs)

Gene: RBM20 (RNA binding motif protein 20; plus strand). Cytogenetic location: 10q25.2.
Variant type: Duplication.
Coding change: c.3595_3605dup on transcript NM_001134363.3 (MANE Select); coding-DNA positions 3595 to 3605, 11 bases duplicated (GAGGAGGGCCT).
Protein change: p.Lys1203fs; shifts the reading frame from lysine 1203.
Molecular consequence: frameshift variant.
Genome position (GRCh38, 1-based): chr10:110,835,889-110,835,899, GAGGAGGGCCT duplicated. VCF-style (leftmost placement, unchanged base first): chr10-110835888-C-CGAGGAGGGCCT. GRCh37 (hg19) VCF-style: chr10-112595646-C-CGAGGAGGGCCT.
Other names: c.3595_3605dupGAGGAGGGCCT (NM_001134363.1); short protein forms K1203fs.
Identifiers: ClinVar variation 4842211 (VCV004842211.1).